The following is an entry in ClinVar:

NM_004364.5(CEBPA):c.413A>T (p.Tyr138Phe)

Gene: CEBPA (CCAAT enhancer binding protein alpha; minus strand). Cytogenetic location: 19q13.11.
Variant type: single nucleotide variant.
Coding change: c.413A>T on transcript NM_004364.5 (MANE Select); coding-DNA position 413, A replaced by T.
Protein change: p.Tyr138Phe; replaces tyrosine 138 with phenylalanine.
Molecular consequence: missense variant.
Genome position (GRCh38, 1-based): chr19:33,302,002, T>A on the plus strand (A>T on the coding strand, the complement: CEBPA is on the minus strand). VCF-style: chr19-33302002-T-A. GRCh37 (hg19) VCF-style: chr19-33792908-T-A.
Other names: c.413A>T (NM_004364.3); c.56A>T, p.Tyr19Phe (NM_001285829.2); c.518A>T, p.Tyr173Phe (NM_001287424.2); c.371A>T, p.Tyr124Phe (NM_001287435.2); short protein forms Y138F, Y173F, Y124F, Y19F.
Identifiers: ClinVar variation 578594 (VCV000578594.17), dbSNP rs908433906, ClinGen allele CA307844311.

ClinVar aggregate classification (germline): Uncertain significance. Review status: criteria provided, multiple submitters, no conflicts (2 of 4 stars). 5 submissions from 5 submitters: Uncertain significance (4). 1 of the submissions does not count toward it. Last evaluated 2025-11-01.

Conditions:
CEBPA-related disorder. Also called: CEBPA-related condition.
Inborn genetic diseases. Identifiers: MedGen C0950123, MeSH D030342.
Acute myeloid leukemia (AML). Also called: Leukemia, acute myeloid, somatic; Leukemia, acute myelogenous, somatic; Acute myeloid leukemia, adult; AML adult; Acute non-lymphocytic leukemia; Acute granulocytic leukemia. Identifiers: Orphanet 519, MedGen C0023467, MeSH D015470, MONDO:0018874, OMIM 601626, HP:0004808. Disease mechanism: Constitutively activated FLT3.

Allele frequency attached by ClinVar (database versions not stated): gnomAD 0.00001; gnomAD exomes 0.00002; TOPMed 0.00002.

Submissions (5):

Labcorp Genetics (formerly Invitae), Labcorp
Classification: Uncertain significance for Acute myeloid leukemia. Last evaluated: 2025-11-01. Review status: criteria provided, single submitter. Criteria: Invitae Variant Classification Sherloc (09022015). Collection method: clinical testing. Allele origin: germline.
Comment: This sequence change replaces tyrosine, which is neutral and polar, with phenylalanine, which is neutral and non-polar, at codon 138 of the CEBPA protein (p.Tyr138Phe). The frequency data for this variant in the population databases is considered unreliable, as metrics indicate insufficient coverage at this position in the gnomAD database. This variant has not been reported in the literature in individuals affected with CEBPA-related conditions. ClinVar contains an entry for this variant (Variation ID: 578594). Invitae Evidence Modeling of protein sequence and biophysical properties (such as structural, functional, and spatial information, amino acid conservation, physicochemical variation, residue mobility, and thermodynamic stability) indicates that this missense variant is not expected to disrupt CEBPA protein function with a negative predictive value of 80%. In summary, the available evidence is currently insufficient to determine the role of this variant in disease. Therefore, it has been classified as a Variant of Uncertain Significance.

Ambry Genetics
Classification: Uncertain significance for Inborn genetic diseases. Last evaluated: 2024-12-08. Review status: criteria provided, single submitter. Criteria: Ambry Variant Classification Scheme 2023. Collection method: clinical testing. Allele origin: germline.
Comment: The p.Y138F variant (also known as c.413A>T), located in coding exon 1 of the CEBPA gene, results from an A to T substitution at nucleotide position 413. The tyrosine at codon 138 is replaced by phenylalanine, an amino acid with highly similar properties. This amino acid position is conserved. In addition, this alteration is predicted to be tolerated by in silico analysis. Based on the available evidence, the clinical significance of this variant remains unclear.

GeneDx
Classification: Uncertain significance. Last evaluated: 2024-08-07. Review status: criteria provided, single submitter. Criteria: GeneDx Variant Classification Process June 2021. Collection method: clinical testing. Allele origin: germline. Affected: yes.
Comment: Not observed at significant frequency in large population cohorts (gnomAD); In silico analysis indicates that this missense variant does not alter protein structure/function; Has not been previously published as pathogenic or benign to our knowledge; This variant is associated with the following publications: (PMID: 21455213)

Baylor Genetics
Classification: Uncertain significance for Acute myeloid leukemia. Last evaluated: 2024-03-19. Review status: criteria provided, single submitter. Criteria: ACMG Guidelines, 2015. Collection method: clinical testing. Allele origin: unknown.

PreventionGenetics, part of Exact Sciences
Classification: Uncertain significance for CEBPA-related condition. Last evaluated: 2024-02-06. Review status: no assertion criteria provided. Collection method: clinical testing. Allele origin: germline. Not counted in ClinVar's aggregate classification.
Comment: The CEBPA c.413A>T variant is predicted to result in the amino acid substitution p.Tyr138Phe. To our knowledge, this variant has not been reported in the literature or in a large population database, indicating this variant is rare. In ClinVar, this variant is interpreted as uncertain significance. At this time, the clinical significance of this variant is uncertain due to the absence of conclusive functional and genetic evidence.